The following is an entry in ClinVar:

ClinVar aggregate classification (germline): Uncertain significance (1 of 4 stars; one submission).

Submission:

GeneDx
Classification: Uncertain significance. Last evaluated: 2021-07-01. Review status: criteria provided, single submitter. Criteria: GeneDx Variant Classification Process June 2021. Collection method: clinical testing. Allele origin: germline. Affected: yes.
Comment: Not observed at significant frequency in large population cohorts (Lek et al., 2016); In silico analysis supports that this missense variant does not alter protein structure/function; Has not been previously published as pathogenic or benign to our knowledge; This variant is associated with the following publications: (PMID: 27535533)

NM_021830.5(TWNK):c.223C>T (p.His75Tyr)

Gene: TWNK (twinkle mtDNA helicase; plus strand). Cytogenetic location: 10q24.31.
Variant type: single nucleotide variant.
Coding change: c.223C>T on transcript NM_021830.5 (MANE Select); coding-DNA position 223, C replaced by T.
Protein change: p.His75Tyr; replaces histidine 75 with tyrosine.
Molecular consequence: missense variant. On other transcripts: non-coding transcript variant (4), intron variant (3).
Genome position (GRCh38, 1-based): chr10:100,988,433, C>T. VCF-style: chr10-100988433-C-T. GRCh37 (hg19) VCF-style: chr10-102748190-C-T.
Other names: c.223C>T, p.His75Tyr (NM_001163812.2); c.-120+820C>T (NM_001163814.2, NM_001163813.2); c.-58+820C>T (NM_001368275.1); short protein forms H75Y.
Identifiers: ClinVar variation 1331220 (VCV001331220.2), dbSNP rs1590017444, ClinGen allele CA378206380.